The following is an entry in ClinVar:

ClinVar aggregate classification (germline): Uncertain significance (1 of 4 stars; one submission).

Conditions:
NCOA1-related disorder. Also called: NCOA1-related condition.

Submission:

PreventionGenetics, part of Exact Sciences
Classification: Uncertain significance for NCOA1-related condition. Last evaluated: 2026-05-18. Review status: criteria provided, single submitter. Criteria: ACMG Guidelines, 2015. Collection method: clinical testing. Allele origin: germline.
Comment: The NCOA1 c.3664A>G variant is predicted to result in the amino acid substitution p.Asn1222Asp. To our knowledge, this variant has not been reported in the literature or in a large population database (gnomAD), indicating this variant is rare. At this time, the clinical significance of this variant is uncertain due to the absence of conclusive functional and genetic evidence.

NM_003743.5(NCOA1):c.3664A>G (p.Asn1222Asp)

Gene: NCOA1 (nuclear receptor coactivator 1; plus strand). Cytogenetic location: 2p23.3.
Variant type: single nucleotide variant.
Coding change: c.3664A>G on transcript NM_003743.5 (MANE Select); coding-DNA position 3664, A replaced by G.
Protein change: p.Asn1222Asp; replaces asparagine 1222 with aspartic acid.
Molecular consequence: missense variant.
Genome position (GRCh38, 1-based): chr2:24,742,144, A>G. VCF-style: chr2-24742144-A-G. GRCh37 (hg19) VCF-style: chr2-24965013-A-G.
Other names: c.3664A>G, p.Asn1222Asp (NM_001362950.1, NM_001362952.1, NM_001362954.1 and 3 more transcripts); short protein forms N1222D.
Identifiers: ClinVar variation 4984105 (VCV004984105.1).